The following is an entry in ClinVar:

ClinVar aggregate classification (germline): Uncertain significance (1 of 4 stars; one submission).

Submission:

CeGaT Center for Human Genetics Tuebingen
Classification: Uncertain significance. Last evaluated: 2023-05-01. Review status: criteria provided, single submitter. Criteria: CeGaT Center For Human Genetics Tuebingen Variant Classification Criteria Version 2. Collection method: clinical testing. Allele origin: germline. Affected: yes. Observed: 1 variant allele.
Comment: SMG8: PM2

NM_018149.7(SMG8):c.2749G>T (p.Ala917Ser)

Gene: SMG8 (SMG8 nonsense mediated mRNA decay factor; plus strand). Cytogenetic location: 17q22.
Variant type: single nucleotide variant.
Coding change: c.2749G>T on transcript NM_018149.7 (MANE Select); coding-DNA position 2749, G replaced by T.
Protein change: p.Ala917Ser; replaces alanine 917 with serine.
Molecular consequence: missense variant.
Genome position (GRCh38, 1-based): chr17:59,213,572, G>T. VCF-style: chr17-59213572-G-T. GRCh37 (hg19) VCF-style: chr17-57290933-G-T.
Other names: short protein forms A917S.
Identifiers: ClinVar variation 2647983 (VCV002647983.24), dbSNP rs2546574662, ClinGen allele CA400401292.
Genomic context (GRCh38, chr17:59,213,572, plus strand): 5'-GGTAGAGGGCTGAAACCTCATTATGCTCAACTTATGAGGCTTTTTGTTGTGGTTCCTGAT[G>T]CTCCTTTGCAGATAATACTAATGCCTCAGGTAAGAAATATAACCCTCTGCAGCCCCAAAC-3'
Protein context (NP_060619.4, residues 907-927): LMRLFVVVPD[Ala917Ser]PLQIILMPQV